The following is an entry in ClinVar:

ClinVar aggregate classification (germline): Pathogenic/Likely pathogenic. Review status: criteria provided, multiple submitters, no conflicts (2 of 4 stars). 3 submissions from 3 submitters: Pathogenic (2); Likely pathogenic (1). Last evaluated 2024-10-05.

Conditions:
Hereditary breast ovarian cancer syndrome. Also called: BRCA1- and BRCA2-Associated Hereditary Breast and Ovarian Cancer; Hereditary breast and ovarian cancer syndrome (HBOC); Hereditary breast and ovarian cancer syndrome; Breast and ovarian cancer; Hereditary breast and ovarian cancer; Hereditary breast and/or ovarian cancer syndrome. Identifiers: Orphanet 145, MedGen C0677776, MeSH D061325, MONDO:0003582. Disease mechanism: loss of function.
Hereditary cancer-predisposing syndrome. Also called: Hereditary Cancer Syndrome; Hereditary neoplastic syndrome; Neoplastic Syndromes, Hereditary; Tumor predisposition. Identifiers: Orphanet 140162, MedGen C0027672, MeSH D009386, MONDO:0015356.
Breast-ovarian cancer, familial, susceptibility to, 1 (BROVCA1). Also called: OVARIAN CANCER, SUSCEPTIBILITY TO; BRCA1 Hereditary Breast and Ovarian Cancer. Identifiers: Orphanet 145, MedGen C2676676, MONDO:0011450, OMIM 604370. Disease mechanism: loss of function.

Submissions (3):

Labcorp Genetics (formerly Invitae), Labcorp
Classification: Pathogenic for Hereditary breast ovarian cancer syndrome. Last evaluated: 2024-10-05. Review status: criteria provided, single submitter. Criteria: Invitae Variant Classification Sherloc (09022015). Collection method: clinical testing. Allele origin: germline.
Comment: This sequence change creates a premature translational stop signal (p.Asp1441Thrfs*15) in the BRCA1 gene. It is expected to result in an absent or disrupted protein product. Loss-of-function variants in BRCA1 are known to be pathogenic (PMID: 20104584). This variant is not present in population databases (gnomAD no frequency). This variant has not been reported in the literature in individuals affected with BRCA1-related conditions. ClinVar contains an entry for this variant (Variation ID: 824792). For these reasons, this variant has been classified as Pathogenic.

Ambry Genetics
Classification: Pathogenic for Hereditary cancer-predisposing syndrome. Last evaluated: 2023-08-24. Review status: criteria provided, single submitter. Criteria: Ambry Variant Classification Scheme 2023. Collection method: clinical testing. Allele origin: germline.
Comment: The c.4321delG pathogenic mutation, located in coding exon 11 of the BRCA1 gene, results from a deletion of one nucleotide at nucleotide position 4321, causing a translational frameshift with a predicted alternate stop codon (p.D1441Tfs*15). This alteration is expected to result in loss of function by premature protein truncation or nonsense-mediated mRNA decay. As such, this alteration is interpreted as a disease-causing mutation.

Baylor Genetics
Classification: Likely pathogenic for Breast-ovarian cancer, familial, susceptibility to, 1. Last evaluated: 2021-06-17. Review status: criteria provided, single submitter. Criteria: ACMG Guidelines, 2015. Collection method: clinical testing. Allele origin: unknown.

Literature cited by the submitters: PubMed 20104584 (cited by Labcorp Genetics (formerly Invitae), Labcorp).

NM_007294.4(BRCA1):c.4321del (p.Asp1441fs)

Gene: BRCA1 (BRCA1 DNA repair associated; minus strand). Cytogenetic location: 17q21.31.
Variant type: Deletion.
Coding change: c.4321del on transcript NM_007294.4 (MANE Select); coding-DNA position 4321, one base deleted (G; older notation c.4321delG).
Protein change: p.Asp1441fs; shifts the reading frame from aspartic acid 1441.
Molecular consequence: frameshift variant. On other transcripts: non-coding transcript variant (1).
Genome position (GRCh38, 1-based): chr17:43,082,440, C deleted on the plus strand (G on the coding strand, the reverse complement: BRCA1 is on the minus strand); the first of 2 consecutive C bases (chr17:43,082,440-43,082,441); deleting either gives the same sequence. VCF-style (leftmost placement, unchanged base first): chr17-43082439-TC-T. GRCh37 (hg19) VCF-style: chr17-41234456-TC-T.
Other names: c.4321delG (NM_007294.3); c.894delG, p.Asp299Thrfs (NM_001408418.1, NM_001408419.1, NM_001408420.1 and 2 more transcripts); c.891delG, p.Asp298Thrfs (NM_001408421.1, NM_001408424.1, NM_001408431.1); c.888delG, p.Asp297Thrfs (NM_001408425.1, NM_001408426.1, NM_001408427.1 and 8 more transcripts); c.4107delG, p.Asp1370Thrfs (NM_001407571.1, NM_001407853.1, NM_001407894.1 and 12 more transcripts); c.4320delG, p.Asp1441Thrfs (NM_001407581.1, NM_001407582.1, NM_001407583.1 and 22 more transcripts); c.4317delG, p.Asp1440Thrfs (NM_001407587.1, NM_001407590.1, NM_001407591.1 and 21 more transcripts); c.885delG, p.Asp296Thrfs (NM_001408432.1, NM_001408433.1, NM_001408434.1 and 10 more transcripts); and 55 more; short protein forms D1394fs, D1441fs, D338fs.
Identifiers: ClinVar variation 824792 (VCV000824792.14), dbSNP rs80357748, ClinGen allele CA915950055.